The following is an entry in ClinVar:

NM_172107.4(KCNQ2):c.176C>T (p.Ala59Val)

Gene: KCNQ2 (potassium voltage-gated channel subfamily Q member 2; minus strand). Cytogenetic location: 20q13.33.
Variant type: single nucleotide variant.
Coding change: c.176C>T on transcript NM_172107.4 (MANE Select); coding-DNA position 176, C replaced by T.
Protein change: p.Ala59Val; replaces alanine 59 with valine.
Molecular consequence: missense variant.
Genome position (GRCh38, 1-based): chr20:63,472,288, G>A on the plus strand (C>T on the coding strand, the complement: KCNQ2 is on the minus strand). VCF-style: chr20-63472288-G-A. GRCh37 (hg19) VCF-style: chr20-62103641-G-A.
Other names: c.176C>T (NM_172107.2); c.176C>T, p.Ala59Val (NM_001382235.1, NM_004518.6, NM_172106.3 and 2 more transcripts); short protein forms A59V.
Identifiers: ClinVar variation 2823027 (VCV002823027.4), dbSNP rs2516744883, ClinGen allele CA409635308.

ClinVar aggregate classification (germline): Uncertain significance. Review status: criteria provided, multiple submitters, no conflicts (2 of 4 stars). 2 submissions from 2 submitters: Uncertain significance (2). Last evaluated 2023-11-04.

Conditions:
Early-infantile DEE. Also called: Early infantile epileptic encephalopathy; Early infantile epileptic encephalopathy with suppression bursts; Ohtahara syndrome. Identifiers: Orphanet 1934, MedGen C0393706, MONDO:0800491.

Submissions (2):

GeneDx
Classification: Uncertain significance. Last evaluated: 2023-11-04. Review status: criteria provided, single submitter. Criteria: GeneDx Variant Classification Process June 2021. Collection method: clinical testing. Allele origin: germline. Affected: yes.
Comment: Not observed at significant frequency in large population cohorts (gnomAD); Missense variants in this gene are a common cause of disease and they are underrepresented in the general population; In silico analysis supports that this missense variant does not alter protein structure/function; Has not been previously published as pathogenic or benign to our knowledge

Labcorp Genetics (formerly Invitae), Labcorp
Classification: Uncertain significance for Early-infantile DEE. Last evaluated: 2022-12-30. Review status: criteria provided, single submitter. Criteria: Invitae Variant Classification Sherloc (09022015). Collection method: clinical testing. Allele origin: germline.
Comment: In summary, the available evidence is currently insufficient to determine the role of this variant in disease. Therefore, it has been classified as a Variant of Uncertain Significance. Algorithms developed to predict the effect of missense changes on protein structure and function (SIFT, PolyPhen-2, Align-GVGD) all suggest that this variant is likely to be tolerated. This variant has not been reported in the literature in individuals affected with KCNQ2-related conditions. This variant is not present in population databases (gnomAD no frequency). This sequence change replaces alanine, which is neutral and non-polar, with valine, which is neutral and non-polar, at codon 59 of the KCNQ2 protein (p.Ala59Val).